The following is an entry in ClinVar:

ClinVar aggregate classification (germline): Uncertain significance. Review status: criteria provided, multiple submitters, no conflicts (2 of 4 stars). 2 submissions from 2 submitters: Uncertain significance (2). Last evaluated 2025-12-10.

Conditions:
Bethlem myopathy 1A. Also called: MYOPATHY, BENIGN CONGENITAL, WITH CONTRACTURES; Bethlem myopathy 1; Bethlem Muscular Dystrophy. Identifiers: Orphanet 610, MedGen CN029274, MONDO:0024530, OMIM 158810.

Allele frequency attached by ClinVar (database versions not stated): TOPMed below 0.00001.

Submissions (2):

Labcorp Genetics (formerly Invitae), Labcorp
Classification: Uncertain significance for Bethlem myopathy 1A. Last evaluated: 2025-12-10. Review status: criteria provided, single submitter. Criteria: Invitae Variant Classification Sherloc (09022015). Collection method: clinical testing. Allele origin: germline.
Comment: This sequence change replaces alanine, which is neutral and non-polar, with valine, which is neutral and non-polar, at codon 975 of the COL6A2 protein (p.Ala975Val). This variant is not present in population databases (gnomAD no frequency). This variant has not been reported in the literature in individuals affected with COL6A2-related conditions. ClinVar contains an entry for this variant (Variation ID: 2440392). Invitae Evidence Modeling of protein sequence and biophysical properties (such as structural, functional, and spatial information, amino acid conservation, physicochemical variation, residue mobility, and thermodynamic stability) has been performed for this missense variant. However, the output from this modeling did not meet the statistical confidence thresholds required to predict the impact of this variant on COL6A2 protein function. In summary, the available evidence is currently insufficient to determine the role of this variant in disease. Therefore, it has been classified as a Variant of Uncertain Significance.

Revvity Omics, Revvity
Classification: Uncertain significance. Last evaluated: 2019-09-04. Review status: criteria provided, single submitter. Criteria: ACMG Guidelines, 2015. Collection method: clinical testing. Allele origin: germline.

NM_001849.4(COL6A2):c.2924C>T (p.Ala975Val)

Gene: COL6A2 (collagen type VI alpha 2 chain; plus strand). Cytogenetic location: 21q22.3.
Variant type: single nucleotide variant.
Coding change: c.2924C>T on transcript NM_001849.4 (MANE Select); coding-DNA position 2924, C replaced by T.
Protein change: p.Ala975Val; replaces alanine 975 with valine.
Molecular consequence: missense variant.
Genome position (GRCh38, 1-based): chr21:46,132,416, C>T. VCF-style: chr21-46132416-C-T. GRCh37 (hg19) VCF-style: chr21-47552330-C-T.
Other names: short protein forms A975V.
Identifiers: ClinVar variation 2440392 (VCV002440392.4), dbSNP rs727502831, ClinGen allele CA321980237.
Genomic context (GRCh38, chr21:46,132,416, plus strand): 5'-ACAGTCTGCACGAGTCGGCGCACTCCATGCGCAAGCAGAACGTGGTACCCACCGTGCTGG[C>T]CTTGGGCAGCGACGTGGACATGGACGTGCTCACCACGCTCAGCCTGGGTGACCGCGCCGC-3'
Protein context (NP_001840.3, residues 965-985): RKQNVVPTVL[Ala975Val]LGSDVDMDVL